The following is an entry in ClinVar:

ClinVar aggregate classification (germline): Uncertain significance. Review status: criteria provided, multiple submitters, no conflicts (2 of 4 stars). 2 submissions from 2 submitters: Uncertain significance (2). Last evaluated 2023-06-15.

Conditions:
Familial cold autoinflammatory syndrome 3 (FCAS3). Also called: FAMILIAL ATYPICAL COLD URTICARIA; ANTIBODY DEFICIENCY AND IMMUNE DYSREGULATION, PLCG2-ASSOCIATED. Identifiers: Orphanet 300359, MedGen C3280914, MONDO:0013766, OMIM 614468.

Allele frequency attached by ClinVar (database versions not stated): gnomAD exomes 0.00001.
gnomAD v4.1: 13 of 1,614,122 alleles (0.00081%); highest among the groups gnomAD compares: Non-Finnish European, 0.001%; no homozygotes.

Submissions (2):

Labcorp Genetics (formerly Invitae), Labcorp
Classification: Uncertain significance for Familial cold autoinflammatory syndrome 3. Last evaluated: 2023-06-15. Review status: criteria provided, single submitter. Criteria: Invitae Variant Classification Sherloc (09022015). Collection method: clinical testing. Allele origin: germline.
Comment: In summary, the available evidence is currently insufficient to determine the role of this variant in disease. Therefore, it has been classified as a Variant of Uncertain Significance. An algorithm developed to predict the effect of missense changes on protein structure and function (PolyPhen-2) suggests that this variant is likely to be disruptive. This variant has not been reported in the literature in individuals affected with PLCG2-related conditions. This variant is not present in population databases (gnomAD no frequency). This sequence change replaces glutamine, which is neutral and polar, with glutamic acid, which is acidic and polar, at codon 247 of the PLCG2 protein (p.Gln247Glu).

Blueprint Genetics
Classification: Uncertain significance. Last evaluated: 2022-07-13. Review status: criteria provided, single submitter. Criteria: ACMG Guidelines, 2015. Collection method: clinical testing. Allele origin: germline.

NM_002661.5(PLCG2):c.739C>G (p.Gln247Glu)

Gene: PLCG2 (phospholipase C gamma 2; plus strand). Cytogenetic location: 16q23.3.
Variant type: single nucleotide variant.
Coding change: c.739C>G on transcript NM_002661.5 (MANE Select); coding-DNA position 739, C replaced by G.
Protein change: p.Gln247Glu; replaces glutamine 247 with glutamic acid.
Molecular consequence: missense variant.
Genome position (GRCh38, 1-based): chr16:81,883,315, C>G. VCF-style: chr16-81883315-C-G. GRCh37 (hg19) VCF-style: chr16-81916920-C-G.
Other names: c.739C>G, p.Gln247Glu (NM_001425749.1, NM_001425750.1, NM_001425751.1); short protein forms Q247E.
Identifiers: ClinVar variation 2716616 (VCV002716616.4), dbSNP rs2507596900, ClinGen allele CA396908404.
Genomic context (GRCh38, chr16:81,883,315, plus strand): 5'-TTCCCCGAGGATAGGAACACTGACAGGCCGGATGCCTCTGCTGTTTACCTGCATGACTTC[C>G]AGAGGTTTCTCATACATGAACAGCAGGTGAGAGCACAAGGTGTGTGGGTGCCTGAGGGAG-3'
Protein context (NP_002652.2, residues 237-257): DASAVYLHDF[Gln247Glu]RFLIHEQQEH